The following is an entry in ClinVar:

NM_024675.4(PALB2):c.526C>T (p.Leu176=)

Gene: PALB2 (partner and localizer of BRCA2; minus strand). Cytogenetic location: 16p12.2.
Variant type: single nucleotide variant.
Coding change: c.526C>T on transcript NM_024675.4 (MANE Select); coding-DNA position 526, C replaced by T.
Protein change: p.Leu176=; no amino-acid change (leucine 176 retained).
Molecular consequence: synonymous variant.
Genome position (GRCh38, 1-based): chr16:23,636,020, G>A on the plus strand (C>T on the coding strand, the complement: PALB2 is on the minus strand). VCF-style: chr16-23636020-G-A. GRCh37 (hg19) VCF-style: chr16-23647341-G-A.
Identifiers: ClinVar variation 922820 (VCV000922820.4), dbSNP rs1211622922, ClinGen allele CA494461840.
Genomic context (GRCh38, chr16:23,636,020, plus strand): 5'-TTATTTCAGTTACTGGTGATCTAGCAGGATTTTTGCTACTGATTTCTTCCTGTTCCTTTA[G>A]TCTTTTCCCAGACAATCTGAGTGAATCAGTGCCAAAGACACAGTCTCTCTCCTGTGAAAT-3'
Protein context (NP_078951.2, residues 166-186): TDSLRLSGKR[Leu176=]KEQEEISSKN

ClinVar aggregate classification (germline): Benign/Likely benign. Review status: criteria provided, multiple submitters, no conflicts (2 of 4 stars). 3 submissions from 3 submitters: Benign (1); Likely benign (2). Last evaluated 2026-01-16.

Conditions:
Hereditary cancer-predisposing syndrome. Also called: Tumor predisposition; Hereditary neoplastic syndrome; Hereditary Cancer Syndrome; Neoplastic Syndromes, Hereditary. Identifiers: Orphanet 140162, MedGen C0027672, MeSH D009386, MONDO:0015356.
Familial cancer of breast. Also called: BREAST CANCER, FAMILIAL; Hereditary breast cancer; hereditary breast carcinoma. Identifiers: Orphanet 227535, MedGen C0346153, MONDO:0016419, OMIM 114480. Disease mechanism: loss of function.

Submissions (3):

Ambry Genetics
Classification: Likely benign for Hereditary cancer-predisposing syndrome. Last evaluated: 2026-01-16. Review status: criteria provided, single submitter. Criteria: Ambry Variant Classification Scheme 2023. Collection method: clinical testing. Allele origin: germline.

Myriad Genetics, Inc.
Classification: Benign for Familial cancer of breast. Last evaluated: 2025-01-10. Review status: criteria provided, single submitter. Criteria: Myriad Autosomal Dominant, Autosomal Recessive and X-Linked Classification Criteria (2023). Collection method: clinical testing. Allele origin: unknown.
Comment: This variant is considered benign. This variant is a silent/synonymous amino acid change and it is not expected to impact splicing.

Color Diagnostics, LLC DBA Color Health
Classification: Likely benign for Hereditary cancer-predisposing syndrome. Last evaluated: 2019-03-22. Review status: criteria provided, single submitter. Criteria: ACMG Guidelines, 2015. Collection method: clinical testing. Allele origin: germline.